The following is an entry in ClinVar:

NM_002878.4(RAD51D):c.841_843del (p.Ile281del)

Genes: RAD51D (RAD51 paralog D; minus strand), RAD51L3-RFFL (RAD51L3-RFFL readthrough; minus strand). Cytogenetic location: 17q12.
Variant type: Deletion.
Coding change: c.841_843del on transcript NM_002878.4 (MANE Select); coding-DNA positions 841 to 843, 3 bases deleted (ATC; older notation c.841_843delATC).
Protein change: p.Ile281del; deletes isoleucine 281.
Molecular consequence: inframe deletion. On other transcripts: non-coding transcript variant (3).
Genome position (GRCh38, 1-based): chr17:35,101,261-35,101,263, GAT deleted on the plus strand (ATC on the coding strand, the reverse complement: RAD51D is on the minus strand); deleting any 3 consecutive bases within chr17:35,101,261-35,101,264 gives the same sequence; the c. name uses the placement nearest the transcript's 3' end. VCF-style (leftmost placement, unchanged base first): chr17-35101260-CGAT-C. GRCh37 (hg19) VCF-style: chr17-33428279-CGAT-C.
Other names: c.901_903del, p.Ile301del (NM_001142571.2); c.505_507del, p.Ile169del (NM_133629.3); short protein forms I301del, I169del, I281del.
Identifiers: ClinVar variation 1414060 (VCV001414060.8), dbSNP rs2142411520, ClinGen allele CA2573153481.
Genomic context (GRCh38, chr17:35,101,260, plus strand): 5'-CCTGTCGGGAAGATTTGGCCAGACACGCCATGCGCCGGCCGCCTGATGCTCCTGCTCCCT[CGAT>C]GGTGTCCAGGAGAATCCGAGTGCTGGGCACAAAGCTCCAGGAGCGTCCGAGGGCAGGTTT-3'

ClinVar aggregate classification (germline): Uncertain significance (1 of 4 stars; one submission).

Conditions:
Breast-ovarian cancer, familial, susceptibility to, 4. Identifiers: Orphanet 145, MedGen C3280345, MONDO:0013669, OMIM 614291.

Submission:

Labcorp Genetics (formerly Invitae), Labcorp
Classification: Uncertain significance for Breast-ovarian cancer, familial, susceptibility to, 4. Last evaluated: 2021-04-16. Review status: criteria provided, single submitter. Criteria: Invitae Variant Classification Sherloc (09022015). Collection method: clinical testing. Allele origin: germline.
Comment: In summary, the available evidence is currently insufficient to determine the role of this variant in disease. Therefore, it has been classified as a Variant of Uncertain Significance. Experimental studies and prediction algorithms are not available or were not evaluated, and the functional significance of this variant is currently unknown. This variant has not been reported in the literature in individuals with RAD51D-related conditions. This variant is not present in population databases (ExAC no frequency). This variant, c.841_843del, results in the deletion of 1 amino acid(s) of the RAD51D protein (p.Ile281del), but otherwise preserves the integrity of the reading frame.